The following is an entry in ClinVar:

NM_006790.3(MYOT):c.239A>G (p.Asn80Ser)

Genes: PKD2L2-DT (PKD2L2 divergent transcript; minus strand), MYOT (myotilin; plus strand). Cytogenetic location: 5q31.2.
Variant type: single nucleotide variant.
Coding change: c.239A>G on transcript NM_006790.3 (MANE Select); coding-DNA position 239, A replaced by G.
Protein change: p.Asn80Ser; replaces asparagine 80 with serine.
Molecular consequence: missense variant. On other transcripts: 5 prime UTR variant (1), intron variant (1).
Genome position (GRCh38, 1-based): chr5:137,870,890, A>G. VCF-style: chr5-137870890-A-G. GRCh37 (hg19) VCF-style: chr5-137206579-A-G.
Other names: c.-107A>G (NM_001300911.2); c.-197+365A>G (NM_001135940.2); short protein forms N80S.
Identifiers: ClinVar variation 1974941 (VCV001974941.5), dbSNP rs1307499652, ClinGen allele CA361053225.

ClinVar aggregate classification (germline): Uncertain significance (1 of 4 stars; one submission).

Conditions:
Myofibrillar myopathy 3 (MFM3). Also called: Muscular dystrophy, proximal, type 1A; Autosomal dominant spheroid body myopathy. Identifiers: Orphanet 266, Orphanet 268129, MedGen C3714934, MONDO:0012215, OMIM 609200.

Allele frequency attached by ClinVar (database versions not stated): gnomAD exomes below 0.00001.
gnomAD v4.1: 1 of 1,613,970 alleles (0.000062%); highest among the groups gnomAD compares: Non-Finnish European, 0.000085%; no homozygotes.

Submission:

Labcorp Genetics (formerly Invitae), Labcorp
Classification: Uncertain significance for Myofibrillar myopathy 3. Last evaluated: 2022-08-31. Review status: criteria provided, single submitter. Criteria: Invitae Variant Classification Sherloc (09022015). Collection method: clinical testing. Allele origin: germline.
Comment: This variant has not been reported in the literature in individuals affected with MYOT-related conditions. In summary, the available evidence is currently insufficient to determine the role of this variant in disease. Therefore, it has been classified as a Variant of Uncertain Significance. Algorithms developed to predict the effect of missense changes on protein structure and function output the following: SIFT: "Tolerated"; PolyPhen-2: "Benign"; Align-GVGD: "Class C0". The serine amino acid residue is found in multiple mammalian species, which suggests that this missense change does not adversely affect protein function. This variant is present in population databases (no rsID available, gnomAD 0.0009%). This sequence change replaces asparagine, which is neutral and polar, with serine, which is neutral and polar, at codon 80 of the MYOT protein (p.Asn80Ser).